The following is an entry in ClinVar:

ClinVar aggregate classification (germline): Uncertain significance (1 of 4 stars; one submission).

Conditions:
LAMA2-related muscular dystrophy (LAMA2-RD). Also called: Laminin alpha 2-related dystrophy. Identifiers: MedGen C5679788, MONDO:0100228.

Allele frequency attached by ClinVar (database versions not stated): gnomAD exomes below 0.00001; TOPMed below 0.00001; gnomAD 0.00002.
gnomAD v4.1: 8 of 1,613,696 alleles (0.0005%); highest among the groups gnomAD compares: Non-Finnish European, 0.00068%; 1 homozygote.

Submission:

Labcorp Genetics (formerly Invitae), Labcorp
Classification: Uncertain significance for LAMA2-related muscular dystrophy. Last evaluated: 2023-12-11. Review status: criteria provided, single submitter. Criteria: Invitae Variant Classification Sherloc (09022015). Collection method: clinical testing. Allele origin: germline.
Comment: This sequence change replaces proline, which is neutral and non-polar, with alanine, which is neutral and non-polar, at codon 2891 of the LAMA2 protein (p.Pro2891Ala). This variant is present in population databases (no rsID available, gnomAD 0.0009%). This variant has not been reported in the literature in individuals affected with LAMA2-related conditions. ClinVar contains an entry for this variant (Variation ID: 1508247). Advanced modeling of protein sequence and biophysical properties (such as structural, functional, and spatial information, amino acid conservation, physicochemical variation, residue mobility, and thermodynamic stability) performed at Invitae indicates that this missense variant is not expected to disrupt LAMA2 protein function with a negative predictive value of 95%. In summary, the available evidence is currently insufficient to determine the role of this variant in disease. Therefore, it has been classified as a Variant of Uncertain Significance.

NM_000426.4(LAMA2):c.8671C>G (p.Pro2891Ala)

Gene: LAMA2 (laminin subunit alpha 2; plus strand). Cytogenetic location: 6q22.33.
Variant type: single nucleotide variant.
Coding change: c.8671C>G on transcript NM_000426.4 (MANE Select); coding-DNA position 8671, C replaced by G.
Protein change: p.Pro2891Ala; replaces proline 2891 with alanine.
Molecular consequence: missense variant.
Genome position (GRCh38, 1-based): chr6:129,505,323, C>G. VCF-style: chr6-129505323-C-G. GRCh37 (hg19) VCF-style: chr6-129826468-C-G.
Other names: c.8659C>G, p.Pro2887Ala (NM_001079823.2); short protein forms P2891A, P2887A.
Identifiers: ClinVar variation 1508247 (VCV001508247.8), dbSNP rs1279775289, ClinGen allele CA365634973.
Genomic context (GRCh38, chr6:129,505,323, plus strand): 5'-ATCAGTCCCAAAAAAGCCGACATCCTGGATGTCGTGGGAATGCTGTATGTTGGTGGGTTA[C>G]CCATCAACTACACTACCCGAAGAATTGGTCCAGTAAATATCTGATTTCTTCTTTATTACT-3'
Protein context (NP_000417.3, residues 2881-2901): VVGMLYVGGL[Pro2891Ala]INYTTRRIGP